The following is an entry in ClinVar:

ClinVar aggregate classification (germline): Benign. Review status: criteria provided, multiple submitters, no conflicts (2 of 4 stars). 2 submissions from 2 submitters: Benign (2). Last evaluated 2018-06-16.

Allele frequency attached by ClinVar (database versions not stated): TOPMed 0.03569; gnomAD 0.03687 and 0.03795; gnomAD exomes 0.03900 and 0.04039; 1000 Genomes Project 30x 0.03982; 1000 Genomes Project 0.03994; ExAC 0.05818.
gnomAD v4.1: 59,613 of 1,540,774 alleles (3.9%); highest among the groups gnomAD compares: South Asian, 8.2%; 1,358 homozygotes.

Submissions (2):

GeneDx
Classification: Benign. Last evaluated: 2018-06-16. Review status: criteria provided, single submitter. Criteria: GeneDx Variant Classification (06012015). Collection method: clinical testing. Allele origin: germline. Affected: yes.
Comment: This variant is considered likely benign or benign based on one or more of the following criteria: it is a conservative change, it occurs at a poorly conserved position in the protein, it is predicted to be benign by multiple in silico algorithms, and/or has population frequency not consistent with disease.

Breakthrough Genomics
Classification: Benign. Review status: criteria provided, single submitter. Criteria: ACMG Guidelines, 2015. Collection method: not provided. Allele origin: germline. Inheritance: Autosomal recessive inheritance. Affected: yes.

NM_001292063.2(OTOG):c.7894+33G>A

Gene: OTOG (otogelin; plus strand). Cytogenetic location: 11p15.1.
Variant type: single nucleotide variant.
Coding change: c.7894+33G>A on transcript NM_001292063.2 (MANE Select); 33 bases into the intron after coding-DNA position 7894, G replaced by A.
Molecular consequence: intron variant.
Genome position (GRCh38, 1-based): chr11:17,638,582, G>A. VCF-style: chr11-17638582-G-A. GRCh37 (hg19) VCF-style: chr11-17660129-G-A.
Other names: c.7930+33G>A (NM_001277269.2).
Identifiers: ClinVar variation 683034 (VCV000683034.2), dbSNP rs55858137, ClinGen allele CA5906186.